The following is an entry in ClinVar:

NM_000071.3(CBS):c.691dup (p.Ala231fs)

Gene: CBS (cystathionine beta-synthase; minus strand). Cytogenetic location: 21q22.3.
Variant type: Duplication.
Coding change: c.691dup on transcript NM_000071.3 (MANE Select); coding-DNA position 691, one base duplicated (G; older notation c.691dupG).
Protein change: p.Ala231fs; shifts the reading frame from alanine 231.
Molecular consequence: frameshift variant.
Genome position (GRCh38, 1-based): chr21:43,065,248, C duplicated on the plus strand (G on the coding strand, the reverse complement: CBS is on the minus strand); the first of 2 consecutive C bases (chr21:43,065,248-43,065,249); duplicating either gives the same sequence. VCF-style (leftmost placement, unchanged base first): chr21-43065247-G-GC. GRCh37 (hg19) VCF-style: chr21-44485357-G-GC.
Other names: c.691dup, p.Ala231fs (NM_001178008.3, NM_001178009.3, NM_001320298.2); c.376dup, p.Ala126fs (NM_001321072.1); short protein forms A126fs, A231fs.
Identifiers: ClinVar variation 5013861 (VCV005013861.1).

ClinVar aggregate classification (germline): Pathogenic (1 of 4 stars; one submission).

Conditions:
Classic homocystinuria. Also called: HOMOCYSTINURIA WITH OR WITHOUT RESPONSE TO PYRIDOXINE; Homocystinuria due to CBS deficiency; Cystathionine beta-synthase deficiency; CBS deficiency; Homocystinuria due to Cystathionine Beta-Synthase Deficiency. Identifiers: Orphanet 394, MedGen C0751202, MONDO:0009352, OMIM 236200.

Submission:

Myriad Genetics, Inc.
Classification: Pathogenic for Classic homocystinuria. Last evaluated: 2024-12-15. Review status: criteria provided, single submitter. Criteria: Myriad Autosomal Dominant, Autosomal Recessive and X-Linked Classification Criteria (2023). Collection method: clinical testing. Allele origin: unknown.
Comment: NM_000071.2(CBS):c.691dupG(A231Gfs*8) is expected to be pathogenic in the context of homocystinuria, CBS-related. This variant is predicted to lead to an abnormal or absent protein product due to the creation of a premature termination codon in CBS, a gene where loss-of-function variants are known to be pathogenic. Please note: this variant was assessed in the context of healthy population screening.